The following is an entry in ClinVar:

NM_016312.3(WBP11):c.976G>A (p.Glu326Lys)

Gene: WBP11 (WW domain binding protein 11; minus strand). Cytogenetic location: 12p12.3.
Variant type: single nucleotide variant.
Coding change: c.976G>A on transcript NM_016312.3 (MANE Select); coding-DNA position 976, G replaced by A.
Protein change: p.Glu326Lys; replaces glutamic acid 326 with lysine.
Molecular consequence: missense variant.
Genome position (GRCh38, 1-based): chr12:14,791,208, C>T on the plus strand (G>A on the coding strand, the complement: WBP11 is on the minus strand). VCF-style: chr12-14791208-C-T. GRCh37 (hg19) VCF-style: chr12-14944142-C-T.
Other names: short protein forms E326K.
Identifiers: ClinVar variation 3339636 (VCV003339636.1).

ClinVar aggregate classification (germline): Uncertain significance (1 of 4 stars; one submission).

gnomAD v4.1: 2 of 1,614,104 alleles (0.00012%); highest among the groups gnomAD compares: Non-Finnish European, 0.00017%; no homozygotes.

Submission:

Women's Health and Genetics/Laboratory Corporation of America, LabCorp
Classification: Uncertain significance. Last evaluated: 2024-06-10. Review status: criteria provided, single submitter. Criteria: LabCorp Variant Classification Summary - May 2015. Collection method: clinical testing. Allele origin: germline.
Comment: Variant summary: WBP11 c.976G>A (p.Glu326Lys) results in a conservative amino acid change in the encoded protein sequence. Four of five in-silico tools predict a benign effect of the variant on protein function. The variant was absent in 251446 control chromosomes (gnomAD). The available data on variant occurrences in the general population are insufficient to allow any conclusion about variant significance. To our knowledge, no occurrence of c.976G>A in individuals affected with Vertebral, Cardiac, Tracheoesophageal, Renal, And Limb Defects and no experimental evidence demonstrating its impact on protein function have been reported. No submitters have cited clinical-significance assessments for this variant to ClinVar. Based on the evidence outlined above, the variant was classified as uncertain significance.